The following is an entry in ClinVar:

NM_001197104.2(KMT2A):c.7078G>C (p.Val2360Leu)

Gene: KMT2A (lysine methyltransferase 2A; plus strand). Cytogenetic location: 11q23.3.
Variant type: single nucleotide variant.
Coding change: c.7078G>C on transcript NM_001197104.2 (MANE Select); coding-DNA position 7078, G replaced by C.
Protein change: p.Val2360Leu; replaces valine 2360 with leucine.
Molecular consequence: missense variant.
Genome position (GRCh38, 1-based): chr11:118,502,970, G>C. VCF-style: chr11-118502970-G-C. GRCh37 (hg19) VCF-style: chr11-118373685-G-C.
Other names: c.7168G>C, p.Val2390Leu (NM_001412597.1); c.7069G>C, p.Val2357Leu (NM_005933.4); short protein forms V2360L, V2390L, V2357L.
Identifiers: ClinVar variation 1945188 (VCV001945188.5), dbSNP rs781862311, ClinGen allele CA6304354.
Genomic context (GRCh38, chr11:118,502,970, plus strand): 5'-AACACAACATCTAGAGAACTGAATGTTAGTAAAATCGGCTCCTTTGCTGAACCCTCTTCA[G>C]TGTCGTTTTCTTCTAAAGAGGCCCTCTCCTTCCCACACCTCCATTTGAGAGGGCAAAGGA-3'
Protein context (NP_001184033.1, residues 2350-2370): KIGSFAEPSS[Val2360Leu]SFSSKEALSF

ClinVar aggregate classification (germline): Uncertain significance (1 of 4 stars; one submission).

Allele frequency attached by ClinVar (database versions not stated): gnomAD exomes below 0.00001; ExAC 0.00001.
gnomAD v4.1: 2 of 1,614,132 alleles (0.00012%); highest among the groups gnomAD compares: South Asian, 0.0022%; no homozygotes.

Submission:

Labcorp Genetics (formerly Invitae), Labcorp
Classification: Uncertain significance. Last evaluated: 2022-04-10. Review status: criteria provided, single submitter. Criteria: Invitae Variant Classification Sherloc (09022015). Collection method: clinical testing. Allele origin: germline.
Comment: This sequence change replaces valine, which is neutral and non-polar, with leucine, which is neutral and non-polar, at codon 2360 of the KMT2A protein (p.Val2360Leu). This variant is present in population databases (rs781862311, gnomAD 0.003%). This variant has not been reported in the literature in individuals affected with KMT2A-related conditions. Advanced modeling of protein sequence and biophysical properties (such as structural, functional, and spatial information, amino acid conservation, physicochemical variation, residue mobility, and thermodynamic stability) performed at Invitae indicates that this missense variant is not expected to disrupt KMT2A protein function. In summary, the available evidence is currently insufficient to determine the role of this variant in disease. Therefore, it has been classified as a Variant of Uncertain Significance.